The following is an entry in ClinVar:

NM_017617.5(NOTCH1):c.3238C>G (p.Gln1080Glu)

Gene: NOTCH1 (notch receptor 1; minus strand). Cytogenetic location: 9q34.3.
Variant type: single nucleotide variant.
Coding change: c.3238C>G on transcript NM_017617.5 (MANE Select); coding-DNA position 3238, C replaced by G.
Protein change: p.Gln1080Glu; replaces glutamine 1080 with glutamic acid.
Molecular consequence: missense variant.
Genome position (GRCh38, 1-based): chr9:136,508,319, G>C on the plus strand (C>G on the coding strand, the complement: NOTCH1 is on the minus strand). VCF-style: chr9-136508319-G-C. GRCh37 (hg19) VCF-style: chr9-139402771-G-C.
Other names: short protein forms Q1080E.
Identifiers: ClinVar variation 2586752 (VCV002586752.2), dbSNP rs751776024, ClinGen allele CA5341009.
Genomic context (GRCh38, chr9:136,508,319, plus strand): 5'-ACACGCTGGGCACGTCGCAGTAAAGGCCGGTCCAGCCGCTGGGGCACTCGCAGCGGTACT[G>C]GGTGTGGGTCTGCCAGCATTTGCCGCCGTTCTTGCAGGGCGAGGAGTCACACCAGTGCAC-3'
Protein context (NP_060087.3, residues 1070-1090): NGGKCWQTHT[Gln1080Glu]YRCECPSGWT

ClinVar aggregate classification (germline): Uncertain significance (1 of 4 stars; one submission).

Conditions:
Familial thoracic aortic aneurysm and aortic dissection (TAAD). Also called: Thoracic aortic aneurysms and dissections. Identifiers: Orphanet 91387, MedGen C4707243, MONDO:0019625.

Allele frequency attached by ClinVar (database versions not stated): TOPMed below 0.00001; gnomAD exomes 0.00001; ExAC 0.00002.
gnomAD v4.1: 4 of 1,613,034 alleles (0.00025%); highest among the groups gnomAD compares: Admixed American, 0.0067%; no homozygotes.

Submission:

Ambry Genetics
Classification: Uncertain significance for Familial thoracic aortic aneurysm and aortic dissection. Last evaluated: 2023-07-29. Review status: criteria provided, single submitter. Criteria: Ambry Variant Classification Scheme 2023. Collection method: clinical testing. Allele origin: germline.
Comment: The p.Q1080E variant (also known as c.3238C>G), located in coding exon 20 of the NOTCH1 gene, results from a C to G substitution at nucleotide position 3238. The glutamine at codon 1080 is replaced by glutamic acid, an amino acid with highly similar properties. This amino acid position is conserved. In addition, this alteration is predicted to be tolerated by in silico analysis. Since supporting evidence is limited at this time, the clinical significance of this alteration remains unclear.